The following is an entry in ClinVar:

NM_001166108.2(PALLD):c.821T>C (p.Ile274Thr)

Gene: PALLD (palladin, cytoskeletal associated protein; plus strand). Cytogenetic location: 4q32.3.
Variant type: single nucleotide variant.
Coding change: c.821T>C on transcript NM_001166108.2 (MANE Select); coding-DNA position 821, T replaced by C.
Protein change: p.Ile274Thr; replaces isoleucine 274 with threonine.
Molecular consequence: missense variant.
Genome position (GRCh38, 1-based): chr4:168,512,325, T>C. VCF-style: chr4-168512325-T-C. GRCh37 (hg19) VCF-style: chr4-169433476-T-C.
Other names: c.821T>C, p.Ile274Thr (NM_016081.4); short protein forms I274T.
Identifiers: ClinVar variation 1762517 (VCV001762517.2), dbSNP rs1762597551, ClinGen allele CA358728447.

ClinVar aggregate classification (germline): Uncertain significance (1 of 4 stars; one submission).

Allele frequency attached by ClinVar (database versions not stated): gnomAD exomes below 0.00001; gnomAD 0.00001.
gnomAD v4.1: 3 of 1,614,002 alleles (0.00019%); highest among the groups gnomAD compares: Non-Finnish European, 0.00025%; no homozygotes.

Submission:

Ambry Genetics
Classification: Uncertain significance. Last evaluated: 2022-06-15. Review status: criteria provided, single submitter. Criteria: Ambry Variant Classification Scheme 2023. Collection method: clinical testing. Allele origin: germline.
Comment: The p.I274T variant (also known as c.821T>C), located in coding exon 1 of the PALLD gene, results from a T to C substitution at nucleotide position 821. The isoleucine at codon 274 is replaced by threonine, an amino acid with similar properties. This amino acid position is conserved. In addition, this alteration is predicted to be tolerated by in silico analysis. Since supporting evidence is limited at this time, the clinical significance of this alteration remains unclear.